The following is an entry in ClinVar:

NM_005413.4(SIX3):c.630G>A (p.Thr210=)

Gene: SIX3 (SIX homeobox 3; plus strand). Cytogenetic location: 2p21.
Variant type: single nucleotide variant.
Coding change: c.630G>A on transcript NM_005413.4 (MANE Select); coding-DNA position 630, G replaced by A.
Protein change: p.Thr210=; no amino-acid change (threonine 210 retained).
Molecular consequence: synonymous variant.
Genome position (GRCh38, 1-based): chr2:44,942,734, G>A. VCF-style: chr2-44942734-G-A. GRCh37 (hg19) VCF-style: chr2-45169873-G-A.
Identifiers: ClinVar variation 3707667 (VCV003707667.3).

ClinVar aggregate classification (germline): Likely benign. Review status: criteria provided, multiple submitters, no conflicts (2 of 4 stars). 2 submissions from 2 submitters: Likely benign (2). Last evaluated 2026-07-01.

Conditions:
Holoprosencephaly 2 (HPE2). Identifiers: Orphanet 2162, MedGen C1834877, MONDO:0007999, OMIM 157170.

gnomAD v4.1: 30 of 1,601,774 alleles (0.0019%); highest among the groups gnomAD compares: Non-Finnish European, 0.0024%; no homozygotes.

Submissions (2):

CeGaT Center for Human Genetics Tuebingen
Classification: Likely benign. Last evaluated: 2026-07-01. Review status: criteria provided, single submitter. Criteria: CeGaT Center For Human Genetics Tuebingen Variant Classification Criteria Version 2. Collection method: clinical testing. Allele origin: germline. Affected: yes. Observed: 1 variant allele.
Comment: SIX3: BP4, BP7

Labcorp Genetics (formerly Invitae), Labcorp
Classification: Likely benign for Holoprosencephaly 2. Last evaluated: 2024-03-07. Review status: criteria provided, single submitter. Criteria: Invitae Variant Classification Sherloc (09022015). Collection method: clinical testing. Allele origin: germline.